The following is an entry in ClinVar:

ClinVar aggregate classification (germline): Uncertain significance (1 of 4 stars; one submission).

Conditions:
Inborn genetic diseases. Identifiers: MedGen C0950123, MeSH D030342.

Submission:

Ambry Genetics
Classification: Uncertain significance for Inborn genetic diseases. Last evaluated: 2025-04-07. Review status: criteria provided, single submitter. Criteria: Ambry Variant Classification Scheme 2023. Collection method: clinical testing. Allele origin: germline.
Comment: The p.S1156R variant (also known as c.3466A>C), located in coding exon 14 of the FANCM gene, results from an A to C substitution at nucleotide position 3466. The serine at codon 1156 is replaced by arginine, an amino acid with dissimilar properties. This amino acid position is conserved. In addition, this alteration is predicted to be tolerated by in silico analysis. Based on the available evidence, the clinical significance of this variant remains unclear.

NM_020937.4(FANCM):c.3466A>C (p.Ser1156Arg)

Gene: FANCM (FA complementation group M; plus strand). Cytogenetic location: 14q21.2.
Variant type: single nucleotide variant.
Coding change: c.3466A>C on transcript NM_020937.4 (MANE Select); coding-DNA position 3466, A replaced by C.
Protein change: p.Ser1156Arg; replaces serine 1156 with arginine.
Molecular consequence: missense variant.
Genome position (GRCh38, 1-based): chr14:45,176,220, A>C. VCF-style: chr14-45176220-A-C. GRCh37 (hg19) VCF-style: chr14-45645423-A-C.
Other names: c.3388A>C, p.Ser1130Arg (NM_001308133.2); short protein forms S1130R, S1156R.
Identifiers: ClinVar variation 4022664 (VCV004022664.1).